The following is an entry in ClinVar:

NM_001044385.3(TMEM237):c.*3453T>G

Gene: TMEM237 (transmembrane protein 237; minus strand). Cytogenetic location: 2q33.1.
Variant type: single nucleotide variant.
Coding change: c.*3453T>G on transcript NM_001044385.3 (MANE Select); 3453 bases downstream of the stop codon, T replaced by G.
Molecular consequence: 3 prime UTR variant.
Genome position (GRCh38, 1-based): chr2:201,620,802, A>C on the plus strand (T>G on the coding strand, the complement: TMEM237 is on the minus strand). VCF-style: chr2-201620802-A-C. GRCh37 (hg19) VCF-style: chr2-202485525-A-C.
Other names: c.*3453T>G (NM_152388.4).
Identifiers: ClinVar variation 333532 (VCV000333532.5), dbSNP rs77771615, ClinGen allele CA10613820.

ClinVar aggregate classification (germline): Likely benign (1 of 4 stars; one submission).

Conditions:
Joubert syndrome 14 (JBTS14). Identifiers: MedGen C3280766, MONDO:0013745, OMIM 614424.

Allele frequency attached by ClinVar (database versions not stated): gnomAD 0.00401 and 0.00420; TOPMed 0.00447; 1000 Genomes Project 0.00499; 1000 Genomes Project 30x 0.00562.

Submission:

Illumina Laboratory Services, Illumina
Classification: Likely benign for Joubert syndrome 14. Last evaluated: 2018-01-12. Review status: criteria provided, single submitter. Criteria: ICSL Variant Classification Criteria 13 December 2019. Collection method: clinical testing. Allele origin: germline.
Comment: This variant was observed in the ICSL laboratory as part of a predisposition screen in an ostensibly healthy population. It had not been previously curated by ICSL or reported in the Human Gene Mutation Database (HGMD: prior to June 1st, 2018), and was therefore a candidate for classification through an automated scoring system. Utilizing variant allele frequency, disease prevalence and penetrance estimates, and inheritance mode, an automated score was calculated to assess if this variant is too frequent to cause the disease. Based on the score and internal cut-off values, a variant classified as likely benign is not then subjected to further curation. The score for this variant resulted in a classification of likely benign for this disease.